The following is an entry in ClinVar:

ClinVar aggregate classification (germline): Uncertain significance (1 of 4 stars; one submission).

Submission:

Labcorp Genetics (formerly Invitae), Labcorp
Classification: Uncertain significance. Last evaluated: 2020-11-20. Review status: criteria provided, single submitter. Criteria: Invitae Variant Classification Sherloc (09022015). Collection method: clinical testing. Allele origin: germline.
Comment: In summary, the available evidence is currently insufficient to determine the role of this variant in disease. Therefore, it has been classified as a Variant of Uncertain Significance. Algorithms developed to predict the effect of missense changes on protein structure and function (SIFT, PolyPhen-2, Align-GVGD) all suggest that this variant is likely to be disruptive, but these predictions have not been confirmed by published functional studies and their clinical significance is uncertain. This variant has not been reported in the literature in individuals with IMPG2-related conditions. This variant is not present in population databases (ExAC no frequency). This sequence change replaces asparagine with lysine at codon 909 of the IMPG2 protein (p.Asn909Lys). The asparagine residue is highly conserved and there is a moderate physicochemical difference between asparagine and lysine.

NM_016247.4(IMPG2):c.2727C>G (p.Asn909Lys)

Gene: IMPG2 (interphotoreceptor matrix proteoglycan 2; minus strand). Cytogenetic location: 3q12.3.
Variant type: single nucleotide variant.
Coding change: c.2727C>G on transcript NM_016247.4 (MANE Select); coding-DNA position 2727, C replaced by G.
Protein change: p.Asn909Lys; replaces asparagine 909 with lysine.
Molecular consequence: missense variant.
Genome position (GRCh38, 1-based): chr3:101,243,604, G>C on the plus strand (C>G on the coding strand, the complement: IMPG2 is on the minus strand). VCF-style: chr3-101243604-G-C. GRCh37 (hg19) VCF-style: chr3-100962448-G-C.
Other names: short protein forms N909K.
Identifiers: ClinVar variation 1485700 (VCV001485700.8), dbSNP rs2107219104, ClinGen allele CA353855819.